The following is an entry in ClinVar:

ClinVar aggregate classification (germline): Uncertain significance. Review status: criteria provided, multiple submitters, no conflicts (2 of 4 stars). 2 submissions from 2 submitters: Uncertain significance (2). Last evaluated 2023-12-21.

Conditions:
Intellectual disability-facial dysmorphism syndrome due to SETD5 haploinsufficiency (MRD23). Also called: Intellectual developmental disorder, autosomal dominant 23. Identifiers: Orphanet 404440, MedGen C3810406, MONDO:0014336, OMIM 615761.

Allele frequency attached by ClinVar (database versions not stated): gnomAD exomes below 0.00001; gnomAD 0.00001; TOPMed 0.00001.
gnomAD v4.1: 2 of 1,613,822 alleles (0.00012%); highest among the groups gnomAD compares: African/African-American, 0.0027%; no homozygotes.

Submissions (2):

GeneDx
Classification: Uncertain significance. Last evaluated: 2023-12-21. Review status: criteria provided, single submitter. Criteria: GeneDx Variant Classification Process June 2021. Collection method: clinical testing. Allele origin: germline. Affected: yes.
Comment: Not observed at significant frequency in large population cohorts (gnomAD); In silico analysis supports that this missense variant does not alter protein structure/function; Has not been previously published as pathogenic or benign to our knowledge

Revvity Omics, Revvity
Classification: Uncertain significance for Intellectual disability-facial dysmorphism syndrome due to SETD5 haploinsufficiency. Last evaluated: 2019-11-06. Review status: criteria provided, single submitter. Criteria: ACMG Guidelines, 2015. Collection method: clinical testing. Allele origin: germline.

NM_001080517.3(SETD5):c.3326A>G (p.Asp1109Gly)

Gene: SETD5 (SET domain containing 5; plus strand). Cytogenetic location: 3p25.3.
Variant type: single nucleotide variant.
Coding change: c.3326A>G on transcript NM_001080517.3 (MANE Select); coding-DNA position 3326, A replaced by G.
Protein change: p.Asp1109Gly; replaces aspartic acid 1109 with glycine.
Molecular consequence: missense variant.
Genome position (GRCh38, 1-based): chr3:9,473,366, A>G. VCF-style: chr3-9473366-A-G. GRCh37 (hg19) VCF-style: chr3-9515050-A-G.
Other names: c.3032A>G, p.Asp1011Gly (NM_001292043.2, NM_001349451.2); short protein forms D1011G, D1109G.
Identifiers: ClinVar variation 2435870 (VCV002435870.4), dbSNP rs2045536119, ClinGen allele CA351685747.